The following is an entry in ClinVar:

ClinVar aggregate classification (germline): Likely pathogenic (1 of 4 stars; one submission).

Conditions:
Deficiency of galactokinase. Also called: GALACTOSEMIA II; Galactokinase deficiency with cataracts. Identifiers: Orphanet 352, Orphanet 79237, MedGen C0268155, MONDO:0009255, OMIM 230200.

Submission:

Myriad Genetics, Inc.
Classification: Likely pathogenic for Deficiency of galactokinase. Last evaluated: 2022-02-27. Review status: criteria provided, single submitter. Criteria: Myriad Women's Health Autosomal Recessive and X-Linked Classification Criteria (2021). Collection method: clinical testing. Allele origin: unknown.
Comment: NM_000154.1(GALK1):c.520G>T(E174*) is expected to be pathogenic in the context of galactokinase deficiency. This variant is predicted to lead to an abnormal or absent protein product due to the creation of a premature termination codon in GALK1, a gene where loss-of-function variants are known to be pathogenic. Please note: this variant was assessed in the context of healthy population screening.

NM_000154.2(GALK1):c.520G>T (p.Glu174Ter)

Gene: GALK1 (galactokinase 1; minus strand). Cytogenetic location: 17q25.1.
Variant type: single nucleotide variant.
Coding change: c.520G>T on transcript NM_000154.2 (MANE Select); coding-DNA position 520, G replaced by T.
Protein change: p.Glu174Ter; replaces glutamic acid 174 with a stop codon.
Molecular consequence: nonsense.
Genome position (GRCh38, 1-based): chr17:75,763,105, C>A on the plus strand (G>T on the coding strand, the complement: GALK1 is on the minus strand). VCF-style: chr17-75763105-C-A. GRCh37 (hg19) VCF-style: chr17-73759186-C-A.
Other names: c.520G>T, p.Glu174Ter (NM_001381985.1); short protein forms E174*.
Identifiers: ClinVar variation 1724783 (VCV001724783.2), dbSNP rs1363497653, ClinGen allele CA401104570.
Genomic context (GRCh38, chr17:75,763,105, plus strand): 5'-GTCCCATAAGTGAGATGAACTGGTCCATGATGCCACAGGGCATCCCTGCGAAGCTGTGCT[C>A]GGCCTGCTGACACACCTGGGCGCGGGCAGCTATTGTGCCCGAGTCTGCAGTACAGGGTGA-3'